The following is an entry in ClinVar:

NM_152564.5(VPS13B):c.4178C>G (p.Ser1393Ter)

Gene: VPS13B (vacuolar protein sorting 13 homolog B; plus strand). Cytogenetic location: 8q22.2.
Variant type: single nucleotide variant.
Coding change: c.4178C>G on transcript NM_152564.5 (MANE Select); coding-DNA position 4178, C replaced by G.
Protein change: p.Ser1393Ter; replaces serine 1393 with a stop codon.
Molecular consequence: nonsense. On other transcripts: intron variant (1).
Genome position (GRCh38, 1-based): chr8:99,507,157, C>G. VCF-style: chr8-99507157-C-G. GRCh37 (hg19) VCF-style: chr8-100519385-C-G.
Other names: c.4158-613C>G (NM_017890.5); short protein forms S1393*.
Identifiers: ClinVar variation 4993321 (VCV004993321.1).

ClinVar aggregate classification (germline): Likely pathogenic (1 of 4 stars; one submission).

Conditions:
VPS13B-related disorder. Also called: VPS13B-related condition.

Submission:

PreventionGenetics, part of Exact Sciences
Classification: Likely pathogenic for VPS13B-related condition. Last evaluated: 2026-08-06. Review status: criteria provided, single submitter. Criteria: ACMG Guidelines, 2015. Collection method: clinical testing. Allele origin: germline.
Comment: The VPS13B c.4178C>G variant is predicted to result in premature protein termination (p.Ser1393*). To our knowledge, this variant has not been reported in the literature or in a large population database (gnomAD), indicating this variant is rare. Nonsense variants in VPS13B are expected to be pathogenic. This variant is interpreted as likely pathogenic.